The following is an entry in ClinVar:

NM_001330260.2(SCN8A):c.1504G>A (p.Glu502Lys)

Gene: SCN8A (sodium voltage-gated channel alpha subunit 8; plus strand). Cytogenetic location: 12q13.13.
Variant type: single nucleotide variant.
Coding change: c.1504G>A on transcript NM_001330260.2 (MANE Select); coding-DNA position 1504, G replaced by A.
Protein change: p.Glu502Lys; replaces glutamic acid 502 with lysine.
Molecular consequence: missense variant.
Genome position (GRCh38, 1-based): chr12:51,706,584, G>A. VCF-style: chr12-51706584-G-A. GRCh37 (hg19) VCF-style: chr12-52100368-G-A.
Other names: c.1504G>A, p.Glu502Lys (NM_001177984.3, NM_001369788.1, NM_014191.4); short protein forms E502K.
Identifiers: ClinVar variation 207106 (VCV000207106.9), dbSNP rs201487381, ClinGen allele CA318250.

ClinVar aggregate classification (germline): Uncertain significance (1 of 4 stars; one submission).

Conditions:
Early-infantile DEE. Also called: Ohtahara syndrome; Early infantile epileptic encephalopathy; Early infantile epileptic encephalopathy with suppression bursts. Identifiers: Orphanet 1934, MedGen C0393706, MONDO:0800491.

Allele frequency attached by ClinVar (database versions not stated): gnomAD exomes below 0.00001 and 0.00001; gnomAD 0.00001; TOPMed 0.00001.
gnomAD v4.1: 11 of 1,608,428 alleles (0.00068%); highest among the groups gnomAD compares: Admixed American, 0.0017%; no homozygotes.

Submission:

Labcorp Genetics (formerly Invitae), Labcorp
Classification: Uncertain significance for Early-infantile DEE. Last evaluated: 2026-01-06. Review status: criteria provided, single submitter. Criteria: Invitae Variant Classification Sherloc (09022015). Collection method: clinical testing. Allele origin: germline.
Comment: This sequence change replaces glutamic acid, which is acidic and polar, with lysine, which is basic and polar, at codon 502 of the SCN8A protein (p.Glu502Lys). This variant is present in population databases (rs201487381, gnomAD 0.002%). This variant has not been reported in the literature in individuals affected with SCN8A-related conditions. ClinVar contains an entry for this variant (Variation ID: 207106). Invitae Evidence Modeling of protein sequence and biophysical properties (such as structural, functional, and spatial information, amino acid conservation, physicochemical variation, residue mobility, and thermodynamic stability) indicates that this missense variant is not expected to disrupt SCN8A protein function with a negative predictive value of 95%. In summary, the available evidence is currently insufficient to determine the role of this variant in disease. Therefore, it has been classified as a Variant of Uncertain Significance.